The following is an entry in ClinVar:

ClinVar aggregate classification (germline): Uncertain significance. Review status: criteria provided, multiple submitters, no conflicts (2 of 4 stars). 2 submissions from 2 submitters: Uncertain significance (2). Last evaluated 2023-03-01.

Conditions:
Inborn genetic diseases. Identifiers: MedGen C0950123, MeSH D030342.

Allele frequency attached by ClinVar (database versions not stated): gnomAD 0.00001; gnomAD exomes 0.00001; TOPMed 0.00001.
gnomAD v4.1: 19 of 1,613,204 alleles (0.0012%); highest among the groups gnomAD compares: Non-Finnish European, 0.0014%; no homozygotes.

Submissions (2):

Ambry Genetics
Classification: Uncertain significance for Inborn genetic diseases. Last evaluated: 2023-03-01. Review status: criteria provided, single submitter. Criteria: Ambry Variant Classification Scheme 2023. Collection method: clinical testing. Allele origin: germline.

Labcorp Genetics (formerly Invitae), Labcorp
Classification: Uncertain significance. Last evaluated: 2022-07-16. Review status: criteria provided, single submitter. Criteria: Invitae Variant Classification Sherloc (09022015). Collection method: clinical testing. Allele origin: germline.
Comment: This sequence change replaces lysine, which is basic and polar, with glutamine, which is neutral and polar, at codon 62 of the TRIM8 protein (p.Lys62Gln). In summary, the available evidence is currently insufficient to determine the role of this variant in disease. Therefore, it has been classified as a Variant of Uncertain Significance. Algorithms developed to predict the effect of missense changes on protein structure and function (SIFT, PolyPhen-2, Align-GVGD) all suggest that this variant is likely to be disruptive. This variant has not been reported in the literature in individuals affected with TRIM8-related conditions. This variant is not present in population databases (gnomAD no frequency).

NM_030912.3(TRIM8):c.184A>C (p.Lys62Gln)

Genes: TRIM8 (tripartite motif containing 8; plus strand), LOC130004618 (ATAC-STARR-seq lymphoblastoid active region 3941; plus strand). Cytogenetic location: 10q24.32.
Variant type: single nucleotide variant.
Coding change: c.184A>C on transcript NM_030912.3 (MANE Select); coding-DNA position 184, A replaced by C.
Protein change: p.Lys62Gln; replaces lysine 62 with glutamine.
Molecular consequence: missense variant. On other transcripts: non-coding transcript variant (1).
Genome position (GRCh38, 1-based): chr10:102,644,801, A>C. VCF-style: chr10-102644801-A-C. GRCh37 (hg19) VCF-style: chr10-104404558-A-C.
Other names: c.184A>C (NM_030912.2); c.184A>C, p.Lys62Gln (NM_001345950.1); short protein forms K62Q.
Identifiers: ClinVar variation 1949042 (VCV001949042.7), dbSNP rs2063919359, ClinGen allele CA377924638.